The following is an entry in ClinVar:

ClinVar aggregate classification (germline): Conflicting classifications of pathogenicity. Review status: criteria provided, conflicting classifications (1 of 4 stars). 5 submissions from 5 submitters: Uncertain significance (1); Likely benign (3). 1 of the submissions does not count toward it. Last evaluated 2025-07-29.

Conditions:
Episodic ataxia type 1 (EA1). Also called: MYOKYMIA WITH PERIODIC ATAXIA; PAROXYSMAL ATAXIA WITH NEUROMYOTONIA, HEREDITARY; Episodic ataxia/myokymia syndrome; ATAXIA, EPISODIC, WITH MYOKYMIA. Identifiers: Orphanet 37612, Orphanet 972, MedGen C1719788, MONDO:0008047, OMIM 160120.
KCNA1-related disorder. Also called: KCNA1-related disorders; KCNA1-related condition.

Allele frequency attached by ClinVar (database versions not stated): ExAC 0.00001; gnomAD exomes 0.00001; gnomAD 0.00002 and 0.00003; TOPMed 0.00004; ESP Exome Variant Server 0.00008.

Submissions (5):

Labcorp Genetics (formerly Invitae), Labcorp
Classification: Likely benign for Episodic ataxia type 1. Last evaluated: 2025-07-29. Review status: criteria provided, single submitter. Criteria: Invitae Variant Classification Sherloc (09022015). Collection method: clinical testing. Allele origin: germline.

Blueprint Genetics
Classification: Likely benign. Last evaluated: 2024-08-29. Review status: criteria provided, single submitter. Criteria: ACMG Guidelines, 2015. Collection method: clinical testing. Allele origin: germline.

Women's Health and Genetics/Laboratory Corporation of America, LabCorp
Classification: Likely benign. Last evaluated: 2024-04-17. Review status: criteria provided, single submitter. Criteria: LabCorp Variant Classification Summary - May 2015. Collection method: clinical testing. Allele origin: germline.

Illumina Laboratory Services, Illumina
Classification: Uncertain significance for Episodic ataxia type 1. Last evaluated: 2018-01-12. Review status: criteria provided, single submitter. Criteria: ICSL Variant Classification Criteria 13 December 2019. Collection method: clinical testing. Allele origin: germline.

PreventionGenetics, part of Exact Sciences
Classification: Likely benign for KCNA1-related condition. Last evaluated: 2019-02-21. Review status: no assertion criteria provided. Collection method: clinical testing. Allele origin: germline. Not counted in ClinVar's aggregate classification.
Comment: This variant is classified as likely benign based on ACMG/AMP sequence variant interpretation guidelines (Richards et al. 2015 PMID: 25741868, with internal and published modifications).

NM_000217.3(KCNA1):c.1464G>A (p.Lys488=)

Gene: KCNA1 (potassium voltage-gated channel subfamily A member 1; plus strand). Cytogenetic location: 12p13.32.
Variant type: single nucleotide variant.
Coding change: c.1464G>A on transcript NM_000217.3 (MANE Select); coding-DNA position 1464, G replaced by A.
Protein change: p.Lys488=; no amino-acid change (lysine 488 retained).
Molecular consequence: synonymous variant.
Genome position (GRCh38, 1-based): chr12:4,912,842, G>A. VCF-style: chr12-4912842-G-A. GRCh37 (hg19) VCF-style: chr12-5022008-G-A.
Identifiers: ClinVar variation 309148 (VCV000309148.20), dbSNP rs147828649, ClinGen allele CA6399516.